The following is an entry in ClinVar:

NM_020207.7(ERCC6L2):c.1561A>G (p.Arg521Gly)

Gene: ERCC6L2 (ERCC excision repair 6 like 2; plus strand). Cytogenetic location: 9q22.32.
Variant type: single nucleotide variant.
Coding change: c.1561A>G on transcript NM_020207.7 (MANE Select); coding-DNA position 1561, A replaced by G.
Protein change: p.Arg521Gly; replaces arginine 521 with glycine.
Molecular consequence: missense variant. On other transcripts: non-coding transcript variant (1).
Genome position (GRCh38, 1-based): chr9:95,928,106, A>G. VCF-style: chr9-95928106-A-G. GRCh37 (hg19) VCF-style: chr9-98690388-A-G.
Other names: c.1561A>G, p.Arg521Gly (NM_001010895.4, NM_001375291.1, NM_001375292.1 and 2 more transcripts); short protein forms R521G.
Identifiers: ClinVar variation 4019267 (VCV004019267.2).

ClinVar aggregate classification (germline): Uncertain significance. Review status: criteria provided, multiple submitters, no conflicts (2 of 4 stars). 2 submissions from 2 submitters: Uncertain significance (2). Last evaluated 2025-10-19.

Conditions:
Inborn genetic diseases. Identifiers: MedGen C0950123, MeSH D030342.

gnomAD v4.1: 2 of 1,612,910 alleles (0.00012%); highest among the groups gnomAD compares: African/African-American, 0.0013%; no homozygotes.

Submissions (2):

Labcorp Genetics (formerly Invitae), Labcorp
Classification: Uncertain significance. Last evaluated: 2025-10-19. Review status: criteria provided, single submitter. Criteria: Invitae Variant Classification Sherloc (09022015). Collection method: clinical testing. Allele origin: germline.
Comment: This sequence change replaces arginine, which is basic and polar, with glycine, which is neutral and non-polar, at codon 532 of the ERCC6L2 protein (p.Arg532Gly). This variant is not present in population databases (gnomAD no frequency). This variant has not been reported in the literature in individuals affected with ERCC6L2-related conditions. ClinVar contains an entry for this variant (Variation ID: 4019267). Experimental studies and prediction algorithms are not available or were not evaluated, and the functional significance of this variant is currently unknown. In summary, the available evidence is currently insufficient to determine the role of this variant in disease. Therefore, it has been classified as a Variant of Uncertain Significance.

Ambry Genetics
Classification: Uncertain significance for Inborn genetic diseases. Last evaluated: 2025-03-26. Review status: criteria provided, single submitter. Criteria: Ambry Variant Classification Scheme 2023. Collection method: clinical testing. Allele origin: germline.
Comment: The p.R521G variant (also known as c.1561A>G), located in coding exon 10 of the ERCC6L2 gene, results from an A to G substitution at nucleotide position 1561. The arginine at codon 521 is replaced by glycine, an amino acid with dissimilar properties. This amino acid position is conserved. In addition, the in silico prediction for this alteration is inconclusive. Based on the available evidence, the clinical significance of this variant remains unclear.